The following is an entry in ClinVar:

ClinVar aggregate classification (germline): Uncertain significance. Review status: criteria provided, multiple submitters, no conflicts (2 of 4 stars). 2 submissions from 2 submitters: Uncertain significance (2). Last evaluated 2026-07-30.

Conditions:
Gastrointestinal stromal tumor. Also called: Gastrointestinal stroma tumor; Gastrointestinal stromal tumor, somatic. Identifiers: Orphanet 44890, MedGen C0238198, MeSH D046152, MONDO:0011719, OMIM 606764, HP:0100723.
Pheochromocytoma/paraganglioma syndrome 3. Also called: GLOMUS TUMORS, FAMILIAL, 3; Paragangliomas 3; SDHC-Related Hereditary Paraganglioma-Pheochromocytoma Syndrome (Paragangliomas 3); SDHC-Related Hereditary Paraganglioma-Pheochromocytoma Syndrome. Identifiers: Orphanet 29072, MedGen C1854336, MONDO:0011544, OMIM 605373.
Hereditary cancer-predisposing syndrome. Also called: Tumor predisposition; Hereditary neoplastic syndrome; Neoplastic Syndromes, Hereditary; Hereditary Cancer Syndrome. Identifiers: Orphanet 140162, MedGen C0027672, MeSH D009386, MONDO:0015356.

Submissions (2):

Ambry Genetics
Classification: Uncertain significance for Hereditary cancer-predisposing syndrome. Last evaluated: 2026-07-30. Review status: criteria provided, single submitter. Criteria: Ambry Variant Classification Scheme 2023. Collection method: clinical testing. Allele origin: germline.
Comment: The p.F41S variant (also known as c.122T>C), located in coding exon 3 of the SDHC gene, results from a T to C substitution at nucleotide position 122. The phenylalanine at codon 41 is replaced by serine, an amino acid with highly dissimilar properties. This amino acid position is highly conserved in available vertebrate species. In addition, this alteration is predicted to be deleterious by in silico analysis. Based on the available evidence, the clinical significance of this variant remains unclear.

Labcorp Genetics (formerly Invitae), Labcorp
Classification: Uncertain significance for Pheochromocytoma/paraganglioma syndrome 3; Gastrointestinal stromal tumor. Last evaluated: 2019-03-02. Review status: criteria provided, single submitter. Criteria: Invitae Variant Classification Sherloc (09022015). Collection method: clinical testing. Allele origin: germline.
Comment: In summary, the available evidence is currently insufficient to determine the role of this variant in disease. Therefore, it has been classified as a Variant of Uncertain Significance. Algorithms developed to predict the effect of missense changes on protein structure and function are either unavailable or do not agree on the potential impact of this missense change (SIFT: "Deleterious"; PolyPhen-2: "Probably Damaging"; Align-GVGD: "Class C0"). This variant has not been reported in the literature in individuals with SDHC-related conditions. This variant is not present in population databases (ExAC no frequency). This sequence change replaces phenylalanine with serine at codon 41 of the SDHC protein (p.Phe41Ser). The phenylalanine residue is highly conserved and there is a large physicochemical difference between phenylalanine and serine.

NM_003001.5(SDHC):c.122T>C (p.Phe41Ser)

Gene: SDHC (succinate dehydrogenase complex subunit C; plus strand). Cytogenetic location: 1q23.3.
Variant type: single nucleotide variant.
Coding change: c.122T>C on transcript NM_003001.5 (MANE Select); coding-DNA position 122, T replaced by C.
Protein change: p.Phe41Ser; replaces phenylalanine 41 with serine.
Molecular consequence: missense variant. On other transcripts: non-coding transcript variant (1), intron variant (4).
Genome position (GRCh38, 1-based): chr1:161,328,440, T>C. VCF-style: chr1-161328440-T-C. GRCh37 (hg19) VCF-style: chr1-161298230-T-C.
Other names: c.122T>C, p.Phe41Ser (NM_001035511.3, NM_001407115.1); c.65T>C, p.Phe22Ser (NM_001407116.1, NM_001407117.1, NM_001407121.1); c.11T>C, p.Phe4Ser (NM_001407119.1, NM_001407120.1); c.77+4770T>C (NM_001035512.3, NM_001278172.3, NM_001407118.1); c.21-12154T>C (NM_001035513.3); short protein forms F41S, F22S, F4S.
Identifiers: ClinVar variation 852254 (VCV000852254.14), dbSNP rs1671152402, ClinGen allele CA343361060.
Genomic context (GRCh38, chr1:161,328,440, plus strand): 5'-TCTGGTTTTATTTTAGTGCTGTTCCTTTGGGAACCACGGCCAAAGAAGAGATGGAGCGGT[T>C]CTGGAATAAGAATATAGGTTCAAACCGTCCTCTGTCTCCCCACATTACTATCTACAGGTA-3'
Protein context (NP_002992.1, residues 31-51): GTTAKEEMER[Phe41Ser]WNKNIGSNRP